The following is an entry in ClinVar:

NM_000038.6(APC):c.423-3307C>A

Gene: APC (APC regulator of WNT signaling pathway; plus strand). Cytogenetic location: 5q22.2.
Variant type: single nucleotide variant.
Coding change: c.423-3307C>A on transcript NM_000038.6 (MANE Select); 3307 bases into the intron before coding-DNA position 423, C replaced by A.
Molecular consequence: intron variant.
Genome position (GRCh38, 1-based): chr5:112,772,322, C>A. VCF-style: chr5-112772322-C-A. GRCh37 (hg19) VCF-style: chr5-112108019-C-A.
Other names: c.423-3307C>A (NM_001354895.2, NM_001127510.3, NM_001354896.2 and 2 more transcripts); c.453-3307C>A (NM_001354897.2, NM_001354902.2, NM_001127511.3); c.348-3307C>A (NM_001354898.2, NM_001354904.2); c.-613-3307C>A (NM_001354906.2); c.246-3307C>A (NM_001354900.2, NM_001354901.2, NM_001354905.2).
Identifiers: ClinVar variation 82890 (VCV000082890.2), dbSNP rs78349576, ClinGen allele CA009288.
Genomic context (GRCh38, chr5:112,772,322, plus strand): 5'-GAGTCTAGCCTTAGTTTCAGTTCTGAGCCTTATGAACTGCTGTTGTGTGAGTCACAAGGT[C>A]AACTACCATAATTTAATCACTTGCTATCATTTTAGCTGAAGACACTATAACCTTGGCTTC-3'

ClinVar aggregate classification (germline): other (0 of 4 stars; one submission).

Conditions:
Familial colorectal cancer. Identifiers: MedGen CN280943, MONDO:0023113. Disease mechanism: loss of function.

Submission:

Systems Biology Platform Zhejiang California International NanoSystems Institute
Classification: other for Familial colorectal cancer. Review status: no assertion criteria provided. Collection method: not provided. Allele origin: unknown.
ClinVar note: Converted during submission from cancer to other.